The following is an entry in ClinVar:

NM_006796.3(AFG3L2):c.1397C>T (p.Pro466Leu)

Gene: AFG3L2 (AFG3 like matrix AAA peptidase subunit 2; minus strand). Cytogenetic location: 18p11.21.
Variant type: single nucleotide variant.
Coding change: c.1397C>T on transcript NM_006796.3 (MANE Select); coding-DNA position 1397, C replaced by T.
Protein change: p.Pro466Leu; replaces proline 466 with leucine.
Molecular consequence: missense variant.
Genome position (GRCh38, 1-based): chr18:12,351,335, G>A on the plus strand (C>T on the coding strand, the complement: AFG3L2 is on the minus strand). VCF-style: chr18-12351335-G-A. GRCh37 (hg19) VCF-style: chr18-12351334-G-A.
Other names: short protein forms P466L.
Identifiers: ClinVar variation 214053 (VCV000214053.16), dbSNP rs375098002, ClinGen allele CA325224.

ClinVar aggregate classification (germline): Uncertain significance. Review status: criteria provided, multiple submitters, no conflicts (2 of 4 stars). 5 submissions from 5 submitters: Uncertain significance (5). Last evaluated 2025-04-09.

Conditions:
Spinocerebellar ataxia type 28 (SCA28). Also called: Spinocerebellar Ataxia Type 28 (SCA28). Identifiers: Orphanet 101109, MedGen C1853249, MONDO:0012450, OMIM 610246.
Spastic ataxia 5. Also called: Spastic Ataxia Type 5 (SPAX5). Identifiers: Orphanet 313772, MedGen C3280977, MONDO:0013776, OMIM 614487.

gnomAD v4.1: 10 of 1,614,104 alleles (0.00062%); highest among the groups gnomAD compares: Non-Finnish European, 0.00076%; no homozygotes.

Submissions (5):

Athena Diagnostics
Classification: Uncertain significance. Last evaluated: 2025-04-09. Review status: criteria provided, single submitter. Criteria: Athena Diagnostics Criteria. Collection method: clinical testing. Allele origin: unknown.
Comment: Available data are insufficient to determine the clinical significance of the variant at this time. This variant has not been reported in large, multi-ethnic general populations. Polyphen and MutationTaster predict this amino acid change may be damaging to the protein. The variant is located in a region that is considered important for protein function and/or structure.

Labcorp Genetics (formerly Invitae), Labcorp
Classification: Uncertain significance. Last evaluated: 2022-06-07. Review status: criteria provided, single submitter. Criteria: Invitae Variant Classification Sherloc (09022015). Collection method: clinical testing. Allele origin: germline.
Comment: Advanced modeling of protein sequence and biophysical properties (such as structural, functional, and spatial information, amino acid conservation, physicochemical variation, residue mobility, and thermodynamic stability) performed at Invitae indicates that this missense variant is expected to disrupt AFG3L2 protein function. In summary, the available evidence is currently insufficient to determine the role of this variant in disease. Therefore, it has been classified as a Variant of Uncertain Significance. ClinVar contains an entry for this variant (Variation ID: 214053). This sequence change replaces proline, which is neutral and non-polar, with leucine, which is neutral and non-polar, at codon 466 of the AFG3L2 protein (p.Pro466Leu). This variant is not present in population databases (gnomAD no frequency). This missense change has been observed in individual(s) with clinical features of AFG3L2-related conditions (PMID: 26633542).

Revvity Omics, Revvity
Classification: Uncertain significance. Last evaluated: 2022-05-09. Review status: criteria provided, single submitter. Criteria: ACMG Guidelines, 2015. Collection method: clinical testing. Allele origin: germline.

Illumina Laboratory Services, Illumina
Classification: Uncertain significance for Spinocerebellar ataxia type 28. Last evaluated: 2018-01-13. Review status: criteria provided, single submitter. Criteria: ICSL Variant Classification Criteria 13 December 2019. Collection method: clinical testing. Allele origin: germline.

Mayo Clinic Laboratories, Mayo Clinic
Classification: Uncertain significance for Spastic ataxia 5; Spinocerebellar ataxia type 28. Last evaluated: 2016-08-22. Review status: criteria provided, single submitter. Criteria: ACMG Guidelines, 2015. Collection method: clinical testing. Allele origin: paternal.

Literature cited by the submitters: PubMed 31577830 (cited by Athena Diagnostics); PubMed 26633542 (cited by Athena Diagnostics and Labcorp Genetics (formerly Invitae), Labcorp).